The following is an entry in ClinVar:

NM_001034853.2(RPGR):c.1754-104dup

Gene: RPGR (retinitis pigmentosa GTPase regulator; minus strand). Cytogenetic location: Xp11.4.
Variant type: Duplication.
Coding change: c.1754-104dup on transcript NM_001034853.2 (MANE Select); 104 bases into the intron before coding-DNA position 1754, one base duplicated (A; older notation c.1754-104dupA).
Molecular consequence: intron variant.
Genome position (GRCh38, 1-based): chrX:38,287,349, T duplicated on the plus strand (A on the coding strand, the reverse complement: RPGR is on the minus strand). VCF-style (leftmost placement, unchanged base first): chrX-38287348-G-GT. GRCh37 (hg19) VCF-style: chrX-38146601-G-GT.
Other names: c.1569+3610dup (NM_001367249.1, NM_001367250.1); c.1751-104dup (NM_001367245.1); c.1386+3610dup (NM_001367251.1); c.1568-104dup (NM_001367246.1); c.1572+3610dup (NM_001367247.1); c.1754-104dup (NM_000328.3); c.1602+3610dup (NM_001367248.1).
Identifiers: ClinVar variation 2660296 (VCV002660296.25), dbSNP rs754257495, ClinGen allele CA10385351.

ClinVar aggregate classification (germline): Benign. Review status: reviewed by expert panel (3 of 4 stars). 2 submissions from 2 submitters: Benign (1). 1 of the submissions does not count toward it. Last evaluated 2025-08-03.

Conditions:
RPGR-related retinopathy. Also called: RPGR retinopathy. Identifiers: MedGen CN305589, MONDO:0100437.

Allele frequency attached by ClinVar (database versions not stated): ExAC 0.00010; TOPMed 0.00011; gnomAD exomes 0.00013; gnomAD 0.00020.

Submissions (2):

ClinGen X-linked Inherited Retinal Disease Variant Curation Expert Panel, ClinGen
Classification: Benign for RPGR-related retinopathy. Last evaluated: 2025-08-03. Review status: reviewed by expert panel. Criteria: ClinGen X LinkedIRD ACMG Specifications RPGR V1.0.0. Collection method: curation. Allele origin: germline. Inheritance: X-linked inheritance.
Comment: NM_001034853.2(RPGR):c.1754-104dup is an intron 14 insertion variant located 104 nucleotides from exon 15. This variant is present in gnomAD v.4.1.0 at a frequency of 0.0001302 among hemizygous individuals, with 45 variant alleles / 345595 total hemizygous alleles, which is higher than the ClinGen X-linked IRD VCEP BA1 threshold of >0.00005 (BA1). The splicing impact predictor SpliceAI gives a delta score of 0.13 for acceptor gain, which is below the ClinGen X-linked IRD VCEP recommended PP3 threshold of >0.2 but above the BP4 threshold of <0.1, so neither in silico code is met. In summary, this variant is classified as benign for RPGR-related retinopathy based on the ClinGen X-linked Inherited Retinal Disease Expert Panel Specifications to the ACMG/AMP Variant Interpretation Guidelines for RPGR Version 1.0.0; BA1. (date of approval 05/16/2025).

CeGaT Center for Human Genetics Tuebingen
Classification: Likely benign. Last evaluated: 2022-11-01. Review status: criteria provided, single submitter. Criteria: CeGaT Center For Human Genetics Tuebingen Variant Classification Criteria Version 2. Collection method: clinical testing. Allele origin: germline. Affected: yes. Observed: 1 variant allele. Not counted in ClinVar's aggregate classification.
Comment: RPGR: BS2